The following is an entry in ClinVar:

ClinVar aggregate classification (germline): Uncertain significance. Review status: criteria provided, multiple submitters, no conflicts (2 of 4 stars). 2 submissions from 2 submitters: Uncertain significance (2). Last evaluated 2025-11-18.

Conditions:
Hypercholesterolemia, autosomal dominant, type B (FHCL2). Also called: Hyperlipoproteinemia Type IIb; Familial Hypercholesterolemia Type B; APOLIPOPROTEIN B-100, FAMILIAL DEFECTIVE; APOLIPOPROTEIN B-100, FAMILIAL LIGAND-DEFECTIVE; Familial hypercholesterolemia 2; APOB-Related Familial Hypercholesterolemia, Autosomal Dominant. Identifiers: MedGen C1704417, MONDO:0007751, OMIM 144010.
Familial hypobetalipoproteinemia 1. Also called: Hypobetalipoproteinemia, normotriglyceridemic; Acanthocytosis with hypobetalipoproteinemia; APOB-Related Familial Hypobetalipoproteinemia. Identifiers: MedGen C4551990, MONDO:0014252, OMIM 615558.

Allele frequency attached by ClinVar (database versions not stated): gnomAD 0.00001; TOPMed 0.00001.
gnomAD v4.1: 5 of 1,614,014 alleles (0.00031%); highest among the groups gnomAD compares: Non-Finnish European, 0.00042%; no homozygotes.

Submissions (2):

Labcorp Genetics (formerly Invitae), Labcorp
Classification: Uncertain significance for Familial hypobetalipoproteinemia 1; Hypercholesterolemia, autosomal dominant, type B. Last evaluated: 2025-11-18. Review status: criteria provided, single submitter. Criteria: Invitae Variant Classification Sherloc (09022015). Collection method: clinical testing. Allele origin: germline.
Comment: This sequence change replaces threonine, which is neutral and polar, with serine, which is neutral and polar, at codon 805 of the APOB protein (p.Thr805Ser). This variant is present in population databases (no rsID available, gnomAD 0.007%). This variant has not been reported in the literature in individuals affected with APOB-related conditions. ClinVar contains an entry for this variant (Variation ID: 568570). Invitae Evidence Modeling of protein sequence and biophysical properties (such as structural, functional, and spatial information, amino acid conservation, physicochemical variation, residue mobility, and thermodynamic stability) indicates that this missense variant is not expected to disrupt APOB protein function with a negative predictive value of 95%. In summary, the available evidence is currently insufficient to determine the role of this variant in disease. Therefore, it has been classified as a Variant of Uncertain Significance.

Fulgent Genetics
Classification: Uncertain significance for Hypercholesterolemia, autosomal dominant, type B; Familial hypobetalipoproteinemia 1. Last evaluated: 2021-08-24. Review status: criteria provided, single submitter. Criteria: ACMG Guidelines, 2015. Collection method: clinical testing. Allele origin: unknown.

NM_000384.3(APOB):c.2414C>G (p.Thr805Ser)

Gene: APOB (apolipoprotein B; minus strand). Cytogenetic location: 2p24.1.
Variant type: single nucleotide variant.
Coding change: c.2414C>G on transcript NM_000384.3 (MANE Select); coding-DNA position 2414, C replaced by G.
Protein change: p.Thr805Ser; replaces threonine 805 with serine.
Molecular consequence: missense variant.
Genome position (GRCh38, 1-based): chr2:21,024,955, G>C on the plus strand (C>G on the coding strand, the complement: APOB is on the minus strand). VCF-style: chr2-21024955-G-C. GRCh37 (hg19) VCF-style: chr2-21247827-G-C.
Other names: short protein forms T805S.
Identifiers: ClinVar variation 568570 (VCV000568570.15), dbSNP rs1291440333, ClinGen allele CA346011840.